The following is an entry in ClinVar:

NM_000384.3(APOB):c.213A>G (p.Arg71=)

Genes: APOB (apolipoprotein B; minus strand), LOC106560211 (APOB 5' regulatory region; plus strand). Cytogenetic location: 2p24.1.
Variant type: single nucleotide variant.
Coding change: c.213A>G on transcript NM_000384.3 (MANE Select); coding-DNA position 213, A replaced by G.
Protein change: p.Arg71=; no amino-acid change (arginine 71 retained).
Molecular consequence: synonymous variant.
Genome position (GRCh38, 1-based): chr2:21,042,385, T>C on the plus strand (A>G on the coding strand, the complement: APOB is on the minus strand). VCF-style: chr2-21042385-T-C. GRCh37 (hg19) VCF-style: chr2-21265257-T-C.
Identifiers: ClinVar variation 4888256 (VCV004888256.1).

ClinVar aggregate classification (germline): Likely benign (1 of 4 stars; one submission).

Conditions:
Familial hypercholesterolemia. Also called: Familial hypercholesterolemias; Familial hypercholesterolaemia. Identifiers: MedGen C0020445, MONDO:0005439.

Submission:

GENinCode PLC
Classification: Likely benign for Familial hypercholesterolemia. Last evaluated: 2025-11-10. Review status: criteria provided, single submitter. Criteria: ACMG Guidelines, 2015. Collection method: clinical testing. Allele origin: germline.
Comment: This is a synonymous (silent) variant that is not predicted to impact splicing and occurs at a nucleotide which is not highly conserved. This variant has been classified as Likely Benign (BP4, BP7).